The following is an entry in ClinVar:

ClinVar aggregate classification (germline): Uncertain significance (1 of 4 stars; one submission).

Conditions:
Inborn genetic diseases. Identifiers: MedGen C0950123, MeSH D030342.

Allele frequency attached by ClinVar (database versions not stated): gnomAD 0.00003; gnomAD exomes 0.00003.
gnomAD v4.1: 39 of 1,319,526 alleles (0.003%); highest among the groups gnomAD compares: South Asian, 0.0091%; no homozygotes.

Submission:

Ambry Genetics
Classification: Uncertain significance for Inborn genetic diseases. Last evaluated: 2018-10-10. Review status: criteria provided, single submitter. Criteria: Ambry Variant Classification Scheme 2023. Collection method: clinical testing. Allele origin: germline.
Comment: The p.A56V variant (also known as c.167C>T), located in coding exon 1 of the CTSF gene, results from a C to T substitution at nucleotide position 167. The alanine at codon 56 is replaced by valine, an amino acid with similar properties. This amino acid position is well conserved in available vertebrate species. In addition, this alteration is predicted to be tolerated by in silico analysis. Since supporting evidence is limited at this time, the clinical significance of this alteration remains unclear.

NM_003793.4(CTSF):c.167C>T (p.Ala56Val)

Gene: CTSF (cathepsin F; minus strand). Cytogenetic location: 11q13.2.
Variant type: single nucleotide variant.
Coding change: c.167C>T on transcript NM_003793.4 (MANE Select); coding-DNA position 167, C replaced by T.
Protein change: p.Ala56Val; replaces alanine 56 with valine.
Molecular consequence: missense variant.
Genome position (GRCh38, 1-based): chr11:66,568,320, G>A on the plus strand (C>T on the coding strand, the complement: CTSF is on the minus strand). VCF-style: chr11-66568320-G-A. GRCh37 (hg19) VCF-style: chr11-66335791-G-A.
Other names: short protein forms A56V.
Identifiers: ClinVar variation 1777868 (VCV001777868.2), dbSNP rs968103781, ClinGen allele CA224083353.